The following is an entry in ClinVar:

ClinVar aggregate classification (germline): Likely pathogenic (1 of 4 stars; one submission).

Conditions:
Stuve-Wiedemann syndrome (STWS). Also called: Stüve-Wiedemann syndrome. Identifiers: Orphanet 3206, MedGen C0796176, MONDO:0031280.

Submission:

Natera, Inc.
Classification: Likely pathogenic for Stuve-Wiedemann syndrome. Last evaluated: 2025-02-03. Review status: criteria provided, single submitter. Criteria: Natera Variant Classification Schema (03/2026). Collection method: clinical testing. Allele origin: germline.
Comment: The c.1292-2A>G variant in LIFR is a canonical splice acceptor site variant predicted to affect pre-mRNA splicing, which may result in an abnormal transcript and altered protein product. This variant is expected to result in nonsense mediated decay, truncation, or a dysfunctional protein product. This variant is rare in the general population with a frequency below the threshold expected for the associated phenotype(s). Given the available evidence, this variant is classified as Likely Pathogenic.

NM_001127671.2(LIFR):c.1292-2A>G

Gene: LIFR (LIF receptor subunit alpha; minus strand). Cytogenetic location: 5p13.1.
Variant type: single nucleotide variant.
Coding change: c.1292-2A>G on transcript NM_001127671.2 (MANE Select); the canonical splice acceptor site of the intron before coding-DNA position 1292, A replaced by G.
Molecular consequence: splice acceptor variant.
Genome position (GRCh38, 1-based): chr5:38,504,123, T>C on the plus strand (A>G on the coding strand, the complement: LIFR is on the minus strand). VCF-style: chr5-38504123-T-C. GRCh37 (hg19) VCF-style: chr5-38504225-T-C.
Other names: c.1292-2A>G (NM_002310.6, NM_001364298.2, NM_001364297.2).
Identifiers: ClinVar variation 4069929 (VCV004069929.2).
Genomic context (GRCh38, chr5:38,504,123, plus strand): 5'-TTTAACAGCTGTTGAATTAATATCCTTCACTTTGAATGAAGTAGGAGTATGGGGATAAAC[T>C]GCAAATATAATTTTTAAAGATTAAACACTTATTTAAAGGGAAAAACTATCTTCTAATATG-3'